The following is an entry in ClinVar:

NM_001267550.2(TTN):c.68330-5T>C

Genes: TTN (titin; minus strand), TTN-AS1 (TTN antisense RNA 1; plus strand). Cytogenetic location: 2q31.2.
Variant type: single nucleotide variant.
Coding change: c.68330-5T>C on transcript NM_001267550.2 (MANE Select); 5 bases into the intron before coding-DNA position 68330, T replaced by C.
Molecular consequence: intron variant.
Genome position (GRCh38, 1-based): chr2:178,578,190, A>G on the plus strand (T>C on the coding strand, the complement: TTN is on the minus strand). VCF-style: chr2-178578190-A-G. GRCh37 (hg19) VCF-style: chr2-179442917-A-G.
Other names: c.41135-5T>C (NM_003319.4); c.41711-5T>C (NM_133437.4); c.41510-5T>C (NM_133432.3); c.60626-5T>C (NM_133378.4); c.63407-5T>C (NM_001256850.1).
Identifiers: ClinVar variation 3757255 (VCV003757255.3).

ClinVar aggregate classification (germline): Conflicting classifications of pathogenicity. Review status: criteria provided, conflicting classifications (1 of 4 stars). 2 submissions from 2 submitters: Uncertain significance (1); Likely benign (1). Last evaluated 2025-07-09.

Conditions:
Cardiovascular phenotype. Identifiers: MedGen CN230736.
Dilated cardiomyopathy 1G (CMD1G). Identifiers: Orphanet 154, MedGen C1858763, MONDO:0011400, OMIM 604145.
Autosomal recessive limb-girdle muscular dystrophy type 2J (LGMDR10). Also called: Limb-girdle muscular dystrophy, type 2J; MUSCULAR DYSTROPHY, LIMB-GIRDLE, AUTOSOMAL RECESSIVE 10. Identifiers: Orphanet 140922, MedGen C1837342, MONDO:0012127, OMIM 608807.

gnomAD v4.1: 1 of 1,609,420 alleles (0.000062%); highest among the groups gnomAD compares: Non-Finnish European, 0.000085%; no homozygotes.

Submissions (2):

Ambry Genetics
Classification: Uncertain significance for Cardiovascular phenotype. Last evaluated: 2025-07-09. Review status: criteria provided, single submitter. Criteria: Ambry Variant Classification Scheme 2023. Collection method: clinical testing. Allele origin: germline.
Comment: The c.41135-5T>C intronic variant results from a T to C substitution 5 nucleotides upstream from coding exon 149 in the TTN gene. This nucleotide position is not well conserved in available vertebrate species. In silico splice site analysis predicts that this alteration will not have any significant effect on splicing. Based on the available evidence, the clinical significance of this variant remains unclear.

Labcorp Genetics (formerly Invitae), Labcorp
Classification: Likely benign for Dilated cardiomyopathy 1G; Autosomal recessive limb-girdle muscular dystrophy type 2J. Last evaluated: 2024-07-16. Review status: criteria provided, single submitter. Criteria: Invitae Variant Classification Sherloc (09022015). Collection method: clinical testing. Allele origin: germline.